The following is an entry in ClinVar:

ClinVar aggregate classification (germline): Uncertain significance (1 of 4 stars; one submission).

Submission:

Ambry Genetics
Classification: Uncertain significance. Last evaluated: 2023-04-23. Review status: criteria provided, single submitter. Criteria: Ambry Variant Classification Scheme 2023. Collection method: clinical testing. Allele origin: germline.
Comment: The p.M320T variant (also known as c.959T>C), located in coding exon 4 of the MNDA gene, results from a T to C substitution at nucleotide position 959. The methionine at codon 320 is replaced by threonine, an amino acid with similar properties. This amino acid position is conserved. In addition, this alteration is predicted to be tolerated by in silico analysis. Since supporting evidence is limited at this time, the clinical significance of this alteration remains unclear.

NM_002432.3(MNDA):c.959T>C (p.Met320Thr)

Gene: MNDA (myeloid cell nuclear differentiation antigen; plus strand). Cytogenetic location: 1q23.1.
Variant type: single nucleotide variant.
Coding change: c.959T>C on transcript NM_002432.3 (MANE Select); coding-DNA position 959, T replaced by C.
Protein change: p.Met320Thr; replaces methionine 320 with threonine.
Molecular consequence: missense variant.
Genome position (GRCh38, 1-based): chr1:158,845,975, T>C. VCF-style: chr1-158845975-T-C. GRCh37 (hg19) VCF-style: chr1-158815765-T-C.
Other names: short protein forms M320T.
Identifiers: ClinVar variation 2563146 (VCV002563146.2), dbSNP rs2526088366, ClinGen allele CA343042503.